The following is an entry in ClinVar:

ClinVar aggregate classification (germline): Uncertain significance (1 of 4 stars; one submission).

gnomAD v4.1: 27 of 1,614,190 alleles (0.0017%); highest among the groups gnomAD compares: East Asian, 0.051%; no homozygotes.

Submission:

GeneDx
Classification: Uncertain significance. Last evaluated: 2024-10-09. Review status: criteria provided, single submitter. Criteria: GeneDx Variant Classification Process June 2021. Collection method: clinical testing. Allele origin: germline. Affected: yes.
Comment: Has not been previously published as pathogenic or benign to our knowledge; In silico analysis supports that this missense variant has a deleterious effect on protein structure/function

NM_001089.3(ABCA3):c.982T>C (p.Cys328Arg)

Gene: ABCA3 (ATP binding cassette subfamily A member 3; minus strand). Cytogenetic location: 16p13.3.
Variant type: single nucleotide variant.
Coding change: c.982T>C on transcript NM_001089.3 (MANE Select); coding-DNA position 982, T replaced by C.
Protein change: p.Cys328Arg; replaces cysteine 328 with arginine.
Molecular consequence: missense variant.
Genome position (GRCh38, 1-based): chr16:2,317,656, A>G on the plus strand (T>C on the coding strand, the complement: ABCA3 is on the minus strand). VCF-style: chr16-2317656-A-G. GRCh37 (hg19) VCF-style: chr16-2367657-A-G.
Other names: short protein forms C328R.
Identifiers: ClinVar variation 3777657 (VCV003777657.1).